The following is an entry in ClinVar:

ClinVar aggregate classification (germline): Uncertain significance (1 of 4 stars; one submission).

Submission:

Labcorp Genetics (formerly Invitae), Labcorp
Classification: Uncertain significance. Last evaluated: 2025-09-13. Review status: criteria provided, single submitter. Criteria: Invitae Variant Classification Sherloc (09022015). Collection method: clinical testing. Allele origin: germline.
Comment: This sequence change replaces histidine, which is basic and polar, with asparagine, which is neutral and polar, at codon 1114 of the MSH3 protein (p.His1114Asn). This variant is not present in population databases (gnomAD no frequency). This variant has not been reported in the literature in individuals affected with MSH3-related conditions. An algorithm developed to predict the effect of missense changes on protein structure and function outputs the following: PolyPhen-2: "Benign". The asparagine amino acid residue is found in multiple mammalian species, which suggests that this missense change does not adversely affect protein function. In summary, the available evidence is currently insufficient to determine the role of this variant in disease. Therefore, it has been classified as a Variant of Uncertain Significance.

NM_002439.5(MSH3):c.3340C>A (p.His1114Asn)

Gene: MSH3 (mutS homolog 3; plus strand). Cytogenetic location: 5q14.1.
Variant type: single nucleotide variant.
Coding change: c.3340C>A on transcript NM_002439.5 (MANE Select); coding-DNA position 3340, C replaced by A.
Protein change: p.His1114Asn; replaces histidine 1114 with asparagine.
Molecular consequence: missense variant.
Genome position (GRCh38, 1-based): chr5:80,875,788, C>A. VCF-style: chr5-80875788-C-A. GRCh37 (hg19) VCF-style: chr5-80171607-C-A.
Other names: short protein forms H1114N.
Identifiers: ClinVar variation 4727070 (VCV004727070.1).